The following is an entry in ClinVar:

NM_030962.4(SBF2):c.2891A>G (p.Gln964Arg)

Genes: SBF2 (SET binding factor 2; minus strand), LOC101928008 (uncharacterized LOC101928008; plus strand). Cytogenetic location: 11p15.4.
Variant type: single nucleotide variant.
Coding change: c.2891A>G on transcript NM_030962.4 (MANE Select); coding-DNA position 2891, A replaced by G.
Protein change: p.Gln964Arg; replaces glutamine 964 with arginine.
Molecular consequence: missense variant.
Genome position (GRCh38, 1-based): chr11:9,846,999, T>C on the plus strand (A>G on the coding strand, the complement: SBF2 is on the minus strand). VCF-style: chr11-9846999-T-C. GRCh37 (hg19) VCF-style: chr11-9868546-T-C.
Other names: c.2891A>G, p.Gln964Arg (NM_001386339.1); c.2762A>G, p.Gln921Arg (NM_001386342.1); short protein forms Q964R, Q921R.
Identifiers: ClinVar variation 1005684 (VCV001005684.11), dbSNP rs747309148, ClinGen allele CA5881421.

ClinVar aggregate classification (germline): Uncertain significance (1 of 4 stars; one submission).

Conditions:
Charcot-Marie-Tooth disease type 4. Also called: Charcot-Marie-Tooth disease, type IV; Charcot-Marie-Tooth, Type 4. Identifiers: Orphanet 64749, MedGen C4082197, MONDO:0018995.

Allele frequency attached by ClinVar (database versions not stated): gnomAD exomes below 0.00001 and 0.00001; ExAC 0.00001; TOPMed 0.00001; gnomAD 0.00003 and 0.00004.
gnomAD v4.1: 23 of 1,613,750 alleles (0.0014%); highest among the groups gnomAD compares: Non-Finnish European, 0.0018%; no homozygotes.

Submission:

Labcorp Genetics (formerly Invitae), Labcorp
Classification: Uncertain significance for Charcot-Marie-Tooth disease type 4. Last evaluated: 2022-07-25. Review status: criteria provided, single submitter. Criteria: Invitae Variant Classification Sherloc (09022015). Collection method: clinical testing. Allele origin: germline.
Comment: ClinVar contains an entry for this variant (Variation ID: 1005684). This variant has not been reported in the literature in individuals affected with SBF2-related conditions. This variant is present in population databases (rs747309148, gnomAD 0.0009%). This sequence change replaces glutamine, which is neutral and polar, with arginine, which is basic and polar, at codon 964 of the SBF2 protein (p.Gln964Arg). In summary, the available evidence is currently insufficient to determine the role of this variant in disease. Therefore, it has been classified as a Variant of Uncertain Significance. Algorithms developed to predict the effect of missense changes on protein structure and function are either unavailable or do not agree on the potential impact of this missense change (SIFT: "Tolerated"; PolyPhen-2: "Possibly Damaging"; Align-GVGD: "Class C0").